The following is an entry in ClinVar:

ClinVar aggregate classification (germline): Likely pathogenic (1 of 4 stars; one submission).

Conditions:
Macrocephaly, acquired, with impaired intellectual development. Also called: MACROCEPHALY, ACQUIRED, WITH MENTAL RETARDATION. Identifiers: MedGen C4748993, MONDO:0032658, OMIM 618286.

Submission:

Victorian Clinical Genetics Services, Murdoch Childrens Research Institute
Classification: Likely pathogenic for Macrocephaly, acquired, with impaired intellectual development. Last evaluated: 2020-06-11. Review status: criteria provided, single submitter. Criteria: ACMG Guidelines, 2015. Collection method: clinical testing. Allele origin: germline. Inheritance: Autosomal dominant inheritance. Affected: yes.
Comment: Based on the classification scheme VCGS_Germline_v0.6.1, this variant is classified as Likely Pathogenic. Following criteria are met: 0102 - Loss of function is a known mechanism of disease for this gene. 0107 - This gene is known to be associated with autosomal dominant disease. 0200 - Variant is predicted to result in a heterozygous missense amino acid change from lysine to glutamic acid (exon 2). 0301 - Variant is absent from gnomAD. 0501 - Missense variant consistently predicted to be damaging by in silico tools or highly conserved with a major amino acid change. 0600 - Variant is located in an annotated domain or motif that does not have a well established function (MH1 domain; NCBI, PDB). 0704 - Comparable variant in relevant codon/region has low previous evidence for pathogenicity. An alternate change to threonine at the same residue has previously been described at pathogenic (ClinVar, PMID: 30388402). 0807 - Variant has not previously been reported in a clinical context. 0905 - No published segregation evidence has been identified for this variant. 1007 - No published functional evidence has been identified for this variant. 1204 - De Novo Variant (Parental status not tested but assumed).

Literature cited by the submitters: PubMed 30388402.

NM_001190737.2(NFIB):c.340A>G (p.Lys114Glu)

Gene: NFIB (nuclear factor I B; minus strand). Cytogenetic location: 9p22.3.
Variant type: single nucleotide variant.
Coding change: c.340A>G on transcript NM_001190737.2 (MANE Select); coding-DNA position 340, A replaced by G.
Protein change: p.Lys114Glu; replaces lysine 114 with glutamic acid.
Molecular consequence: missense variant. On other transcripts: intron variant (3).
Genome position (GRCh38, 1-based): chr9:14,307,211, T>C on the plus strand (A>G on the coding strand, the complement: NFIB is on the minus strand). VCF-style: chr9-14307211-T-C. GRCh37 (hg19) VCF-style: chr9-14307210-T-C.
Other names: c.337+3A>G (NM_001369475.1); c.418A>G, p.Lys140Glu (NM_001190738.2); c.406A>G, p.Lys136Glu (NM_001369458.1, NM_001369459.1, NM_001369462.1 and 1 more transcripts); c.328A>G, p.Lys110Glu (NM_001369460.1, NM_001369463.1, NM_001369466.1 and 2 more transcripts); c.340A>G, p.Lys114Glu (NM_001369461.1, NM_001369464.1, NM_001369471.1 and 3 more transcripts); c.313A>G, p.Lys105Glu (NM_001369465.1, NM_001369467.1, NM_001369476.1); c.196A>G, p.Lys66Glu (NM_001369469.1); c.325A>G, p.Lys109Glu (NM_001369474.1); and 1 more; short protein forms K105E, K109E, K110E, K114E, K136E, K140E, K66E.
Identifiers: ClinVar variation 1806041 (VCV001806041.1), dbSNP rs2538992538, ClinGen allele CA373090313.
Genomic context (GRCh38, chr9:14,307,211, plus strand): 5'-TGACTAGATCCAGACGCCAGACTTTGTCTGCCTGTCGCAGGCAGTCGATTCTCCTAATCT[T>C]ACCCTTCTGGTCGGGATTGGATAAGACACAGCACGGGTGCTTCTTGCCAGTCACGGTGAG-3'
Protein context (NP_001177666.1, residues 104-124): CVLSNPDQKG[Lys114Glu]IRRIDCLRQA